The following is an entry in ClinVar:

ClinVar aggregate classification (germline): Likely benign (1 of 4 stars; one submission).

Conditions:
Familial adenomatous polyposis 1 (FAP1). Also called: POLYPOSIS, ADENOMATOUS INTESTINAL; FAMILIAL ADENOMATOUS POLYPOSIS 1, ATTENUATED. Identifiers: MedGen C2713442, MONDO:0021056, OMIM 175100. Disease mechanism: loss of function.

Allele frequency attached by ClinVar (database versions not stated): gnomAD exomes below 0.00001.
gnomAD v4.1: 1 of 1,613,164 alleles (0.000062%); highest among the groups gnomAD compares: Non-Finnish European, 0.000085%; no homozygotes.

Submission:

Myriad Genetics, Inc.
Classification: Likely benign for Familial adenomatous polyposis 1. Last evaluated: 2024-03-06. Review status: criteria provided, single submitter. Criteria: Myriad Autosomal Dominant, Autosomal Recessive and X-Linked Classification Criteria (2023). Collection method: clinical testing. Allele origin: unknown.
Comment: This variant is considered likely benign. This variant is intronic and is not expected to impact mRNA splicing.

NM_000038.6(APC):c.1744-7T>C

Gene: APC (APC regulator of Wnt signaling pathway; plus strand). Cytogenetic location: 5q22.2.
Variant type: single nucleotide variant.
Coding change: c.1744-7T>C on transcript NM_000038.6 (MANE Select); 7 bases into the intron before coding-DNA position 1744, T replaced by C.
Molecular consequence: intron variant.
Genome position (GRCh38, 1-based): chr5:112,834,944, T>C. VCF-style: chr5-112834944-T-C. GRCh37 (hg19) VCF-style: chr5-112170641-T-C.
Other names: c.895-7T>C (NM_001407470.1, NM_001354906.2); c.592-7T>C (NM_001407472.1, NM_001407471.1); c.1798-7T>C (NM_001407447.1, NM_001407448.1, NM_001407449.1 and 1 more transcripts); c.1744-7T>C (NM_001354895.2, NM_001407450.1, NM_001127510.3); c.1495-7T>C (NM_001407456.1, NM_001407457.1, NM_001407455.1 and 1 more transcripts); c.1441-7T>C (NM_001407460.1, NM_001407458.1, NM_001407459.1 and 1 more transcripts); c.1714-7T>C (NM_001407452.1); c.1357-7T>C (NM_001407469.1, NM_001407467.1); and 11 more.
Identifiers: ClinVar variation 3148138 (VCV003148138.1), dbSNP rs2533331032, ClinGen allele CA2674855538.
Genomic context (GRCh38, chr5:112,834,944, plus strand): 5'-AACATAGAAGTTAATGAGAGACAAATTCCAACTCTAATTAGATGACCCATATTCTGTTTC[T>C]TACTAGGAATCAACCCTCAAAAGCGTATTGAGTGCCTTATGGAATTTGTCAGCACATTGC-3'